The following is an entry in ClinVar:

ClinVar aggregate classification (germline): Uncertain significance. Review status: criteria provided, multiple submitters, no conflicts (2 of 4 stars). 2 submissions from 2 submitters: Uncertain significance (2). Last evaluated 2025-04-06.

Conditions:
Hereditary cancer-predisposing syndrome. Also called: Hereditary Cancer Syndrome; Hereditary neoplastic syndrome; Tumor predisposition; Neoplastic Syndromes, Hereditary. Identifiers: Orphanet 140162, MedGen C0027672, MeSH D009386, MONDO:0015356.
Hereditary nonpolyposis colorectal neoplasms. Identifiers: MedGen C0009405, MeSH D003123.

Submissions (2):

Labcorp Genetics (formerly Invitae), Labcorp
Classification: Uncertain significance for Hereditary nonpolyposis colorectal neoplasms. Last evaluated: 2025-04-06. Review status: criteria provided, single submitter. Criteria: Invitae Variant Classification Sherloc (09022015). Collection method: clinical testing. Allele origin: germline.
Comment: This sequence change replaces histidine, which is basic and polar, with tyrosine, which is neutral and polar, at codon 839 of the PMS2 protein (p.His839Tyr). The frequency data for this variant in the population databases (gnomAD) is considered unreliable due to the presence of homologous sequence, such as pseudogenes or paralogs, in the genome. This variant has not been reported in the literature in individuals affected with PMS2-related conditions. ClinVar contains an entry for this variant (Variation ID: 1792458). Invitae Evidence Modeling incorporating data from in vitro experimental studies (internal data) indicates that this missense variant is not expected to disrupt PMS2 function with a negative predictive value of 95%. In summary, the available evidence is currently insufficient to determine the role of this variant in disease. Therefore, it has been classified as a Variant of Uncertain Significance.

Ambry Genetics
Classification: Uncertain significance for Hereditary cancer-predisposing syndrome. Last evaluated: 2023-11-13. Review status: criteria provided, single submitter. Criteria: Ambry Variant Classification Scheme 2023. Collection method: clinical testing. Allele origin: germline.
Comment: The p.H839Y variant (also known as c.2515C>T), located in coding exon 15 of the PMS2 gene, results from a C to T substitution at nucleotide position 2515. The histidine at codon 839 is replaced by tyrosine, an amino acid with similar properties. This amino acid position is well conserved in available vertebrate species. In addition, the in silico prediction for this alteration is inconclusive. This missense alteration is located in a region that has a low rate of benign missense variation (Lek M et al. Nature. 2016 Aug 18;536(7616):285-91; DECIPHER: Database of Chromosomal Imbalance and Phenotype in Humans using Ensembl Resources. Firth H.V. et al. 2009. Am.J.Hum.Genet. 84, 524-533 (DOI)). Since supporting evidence is limited at this time, the clinical significance of this alteration remains unclear.

NM_000535.7(PMS2):c.2515C>T (p.His839Tyr)

Gene: PMS2 (PMS1 homolog 2, mismatch repair system component; minus strand). Cytogenetic location: 7p22.1.
Variant type: single nucleotide variant.
Coding change: c.2515C>T on transcript NM_000535.7 (MANE Select); coding-DNA position 2515, C replaced by T.
Protein change: p.His839Tyr; replaces histidine 839 with tyrosine.
Molecular consequence: missense variant. On other transcripts: non-coding transcript variant (1).
Genome position (GRCh38, 1-based): chr7:5,973,473, G>A on the plus strand (C>T on the coding strand, the complement: PMS2 is on the minus strand). VCF-style: chr7-5973473-G-A. GRCh37 (hg19) VCF-style: chr7-6013104-G-A.
Other names: c.2110C>T, p.His704Tyr (NM_001018040.1, NM_001322003.2, NM_001322004.2 and 12 more transcripts); c.2359C>T, p.His787Tyr (NM_001322006.2); c.2197C>T, p.His733Tyr (NM_001322007.2, NM_001322008.2, NM_001406883.1); c.2143C>T, p.His715Tyr (NM_001322009.2, NM_001406887.1, NM_001406888.1); c.1954C>T, p.His652Tyr (NM_001322010.2, NM_001406906.1, NM_001406907.1); c.1582C>T, p.His528Tyr (NM_001322011.2, NM_001322012.2); c.1942C>T, p.His648Tyr (NM_001322013.2, NM_001406908.1, NM_001406909.1); c.2548C>T, p.His850Tyr (NM_001322014.2); and 20 more; short protein forms H648Y, H668Y, H684Y, H773Y, H783Y, H850Y, H704Y, H715Y.
Identifiers: ClinVar variation 1792458 (VCV001792458.3), dbSNP rs2535189401, ClinGen allele CA366734890.